The following is an entry in ClinVar:

ClinVar aggregate classification (germline): Uncertain significance. Review status: criteria provided, multiple submitters, no conflicts (2 of 4 stars). 7 submissions from 7 submitters: Uncertain significance (6). 1 of the submissions does not count toward it. Last evaluated 2025-09-17.

Conditions:
Bartter disease type 4A. Also called: BARTTER SYNDROME, TYPE 4A, NEONATAL, WITH SENSORINEURAL DEAFNESS; BARTTER SYNDROME, NEONATAL, WITH SENSORINEURAL DEAFNESS. Identifiers: Orphanet 112, MedGen C1865270, MONDO:0011242, OMIM 602522.
Bartter syndrome. Identifiers: Orphanet 112, MedGen C0004775, MONDO:0015231.
BSND-related disorder. Also called: BSND-related condition.

Allele frequency attached by ClinVar (database versions not stated): gnomAD exomes below 0.00001 and 0.00002; ExAC 0.00004; gnomAD 0.00011 and 0.00014; TOPMed 0.00012; ESP Exome Variant Server 0.00046.
gnomAD v4.1: 24 of 1,614,102 alleles (0.0015%); highest among the groups gnomAD compares: African/African-American, 0.027%; no homozygotes.

Submissions (7):

PreventionGenetics, part of Exact Sciences
Classification: Uncertain significance for BSND-related condition. Last evaluated: 2025-09-17. Review status: criteria provided, single submitter. Criteria: ACMG Guidelines, 2015. Collection method: clinical testing. Allele origin: germline.
Comment: The BSND c.763G>C variant is predicted to result in the amino acid substitution p.Glu255Gln. To our knowledge, this variant has not been reported in the literature. This variant is reported in 0.032% of alleles in individuals of African descent in gnomAD. At this time, the clinical significance of this variant is uncertain due to the absence of conclusive functional and genetic evidence.

Mayo Clinic Laboratories, Mayo Clinic
Classification: Uncertain significance. Last evaluated: 2023-06-09. Review status: criteria provided, single submitter. Criteria: ACMG Guidelines, 2015. Collection method: clinical testing. Allele origin: germline. Observed: 1 variant allele.
Comment: BP4

Fulgent Genetics
Classification: Uncertain significance for Bartter disease type 4A. Last evaluated: 2022-02-10. Review status: criteria provided, single submitter. Criteria: ACMG Guidelines, 2015. Collection method: clinical testing. Allele origin: unknown.

GeneDx
Classification: Uncertain significance. Last evaluated: 2022-01-07. Review status: criteria provided, single submitter. Criteria: GeneDx Variant Classification Process June 2021. Collection method: clinical testing. Allele origin: germline. Affected: yes.
Comment: Published in vitro functional experiments suggest the variant exhibits no effect on channel function (Sile et al., 2007); Reported as a polymorphism identified in a cohort of either normal or hypertensive individuals (Sile et al., 2007); In silico analysis supports that this missense variant does not alter protein structure/function; This variant is associated with the following publications: (PMID: 17954364)

Athena Diagnostics
Classification: Uncertain significance. Last evaluated: 2020-12-23. Review status: criteria provided, single submitter. Criteria: Athena Diagnostics criteria. Collection method: clinical testing. Allele origin: unknown.

Blueprint Genetics
Classification: Uncertain significance. Last evaluated: 2017-08-24. Review status: criteria provided, single submitter. Criteria: ACMG Guidelines, 2015. Collection method: clinical testing. Allele origin: germline.

Natera, Inc.
Classification: Uncertain significance for Bartter syndrome. Last evaluated: 2020-01-18. Review status: no assertion criteria provided. Collection method: clinical testing. Allele origin: germline. Not counted in ClinVar's aggregate classification.

Literature cited by the submitters: PubMed 17954364 (cited by Mayo Clinic Laboratories, Mayo Clinic and Athena Diagnostics).

NM_057176.3(BSND):c.763G>C (p.Glu255Gln)

Gene: BSND (barttin CLCNK type accessory subunit beta; plus strand). Cytogenetic location: 1p32.3.
Variant type: single nucleotide variant.
Coding change: c.763G>C on transcript NM_057176.3 (MANE Select); coding-DNA position 763, G replaced by C.
Protein change: p.Glu255Gln; replaces glutamic acid 255 with glutamine.
Molecular consequence: missense variant.
Genome position (GRCh38, 1-based): chr1:55,008,428, G>C. VCF-style: chr1-55008428-G-C. GRCh37 (hg19) VCF-style: chr1-55474101-G-C.
Other names: p.Glu255Gln; short protein forms E255Q.
Identifiers: ClinVar variation 1256327 (VCV001256327.8), dbSNP rs148609746, ClinGen allele CA871416.